The following is an entry in ClinVar:

ClinVar aggregate classification (germline): Likely benign (1 of 4 stars; one submission).

gnomAD v4.1: 9 of 1,611,882 alleles (0.00056%); highest among the groups gnomAD compares: Non-Finnish European, 0.00076%; no homozygotes.

Submission:

CeGaT Center for Human Genetics Tuebingen
Classification: Likely benign. Last evaluated: 2025-11-01. Review status: criteria provided, single submitter. Criteria: CeGaT Center For Human Genetics Tuebingen Variant Classification Criteria Version 2. Collection method: clinical testing. Allele origin: germline. Affected: yes. Observed: 1 variant allele.
Comment: ZFPM1: BP4, BP7

NM_153813.3(ZFPM1):c.756C>T (p.Ser252=)

Gene: ZFPM1 (zinc finger protein, FOG family member 1; plus strand). Cytogenetic location: 16q24.2.
Variant type: single nucleotide variant.
Coding change: c.756C>T on transcript NM_153813.3 (MANE Select); coding-DNA position 756, C replaced by T.
Protein change: p.Ser252=; no amino-acid change (serine 252 retained).
Molecular consequence: synonymous variant.
Genome position (GRCh38, 1-based): chr16:88,532,045, C>T. VCF-style: chr16-88532045-C-T. GRCh37 (hg19) VCF-style: chr16-88598453-C-T.
Identifiers: ClinVar variation 4534515 (VCV004534515.6).